The following is an entry in ClinVar:

NM_001291746.2(REL):c.923-140C>G

Gene: REL (REL proto-oncogene, NF-kB subunit; plus strand). Cytogenetic location: 2p16.1.
Variant type: single nucleotide variant.
Coding change: c.923-140C>G on transcript NM_001291746.2 (MANE Select); 140 bases into the intron before coding-DNA position 923, C replaced by G.
Molecular consequence: intron variant. On other transcripts: nonsense (1).
Genome position (GRCh38, 1-based): chr2:60,920,434, C>G. VCF-style: chr2-60920434-C-G. GRCh37 (hg19) VCF-style: chr2-61147569-C-G.
Other names: c.974C>G, p.Ser325Ter (NM_002908.4); short protein forms S325*.
Identifiers: ClinVar variation 2744659 (VCV002744659.3), dbSNP rs918184529, ClinGen allele CA347043555.

ClinVar aggregate classification (germline): Pathogenic (1 of 4 stars; one submission).

Allele frequency attached by ClinVar (database versions not stated): TOPMed below 0.00001.

Submission:

Labcorp Genetics (formerly Invitae), Labcorp
Classification: Pathogenic. Last evaluated: 2023-10-13. Review status: criteria provided, single submitter. Criteria: Invitae Variant Classification Sherloc (09022015). Collection method: clinical testing. Allele origin: germline.
Comment: This sequence change creates a premature translational stop signal (p.Ser325*) in the REL gene. It is expected to result in an absent or disrupted protein product. Loss-of-function variants in REL are known to be pathogenic (PMID: 31103457, 34623332). This variant is not present in population databases (gnomAD no frequency). This variant has not been reported in the literature in individuals affected with REL-related conditions. For these reasons, this variant has been classified as Pathogenic.

Literature cited by the submitters: PubMed 31103457; PubMed 34623332.